The following is an entry in ClinVar:

NM_006180.6(NTRK2):c.560C>A (p.Ala187Glu)

Gene: NTRK2 (neurotrophic receptor tyrosine kinase 2; plus strand). Cytogenetic location: 9q21.33.
Variant type: single nucleotide variant.
Coding change: c.560C>A on transcript NM_006180.6 (MANE Select); coding-DNA position 560, C replaced by A.
Protein change: p.Ala187Glu; replaces alanine 187 with glutamic acid.
Molecular consequence: missense variant.
Genome position (GRCh38, 1-based): chr9:84,710,768, C>A. VCF-style: chr9-84710768-C-A. GRCh37 (hg19) VCF-style: chr9-87325683-C-A.
Other names: c.560C>A, p.Ala187Glu (NM_001007097.3, NM_001018064.3, NM_001018065.2 and 19 more transcripts); c.92C>A, p.Ala31Glu (NM_001369535.1, NM_001369536.1, NM_001369550.1 and 2 more transcripts); short protein forms A187E, A31E.
Identifiers: ClinVar variation 2434460 (VCV002434460.6), dbSNP rs563972840, ClinGen allele CA5105522.

ClinVar aggregate classification (germline): Conflicting classifications of pathogenicity. Review status: criteria provided, conflicting classifications (1 of 4 stars). 2 submissions from 2 submitters: Uncertain significance (1); Likely benign (1). Last evaluated 2023-05-31.

Allele frequency attached by ClinVar (database versions not stated): TOPMed 0.00001; gnomAD 0.00003; gnomAD exomes 0.00003; ExAC 0.00009; 1000 Genomes Project 30x 0.00047; 1000 Genomes Project 0.00060.
gnomAD v4.1: 46 of 1,614,150 alleles (0.0028%); highest among the groups gnomAD compares: South Asian, 0.048%; 1 homozygote.

Submissions (2):

Revvity Omics, Revvity
Classification: Likely benign. Last evaluated: 2023-05-31. Review status: criteria provided, single submitter. Criteria: ACMG Guidelines, 2015. Collection method: clinical testing. Allele origin: germline.

Labcorp Genetics (formerly Invitae), Labcorp
Classification: Uncertain significance. Last evaluated: 2023-02-25. Review status: criteria provided, single submitter. Criteria: Invitae Variant Classification Sherloc (09022015). Collection method: clinical testing. Allele origin: germline.
Comment: In summary, the available evidence is currently insufficient to determine the role of this variant in disease. Therefore, it has been classified as a Variant of Uncertain Significance. Advanced modeling of protein sequence and biophysical properties (such as structural, functional, and spatial information, amino acid conservation, physicochemical variation, residue mobility, and thermodynamic stability) performed at Invitae indicates that this missense variant is not expected to disrupt NTRK2 protein function. This variant has not been reported in the literature in individuals affected with NTRK2-related conditions. This variant is present in population databases (rs563972840, gnomAD 0.05%), and has an allele count higher than expected for a pathogenic variant. This sequence change replaces alanine, which is neutral and non-polar, with glutamic acid, which is acidic and polar, at codon 187 of the NTRK2 protein (p.Ala187Glu).